The following is an entry in ClinVar:

NM_207352.4(CYP4V2):c.*2303G>C

Genes: CYP4V2 (cytochrome P450 family 4 subfamily V member 2; plus strand), KLKB1 (kallikrein B1; plus strand). Cytogenetic location: 4q35.2.
Variant type: single nucleotide variant.
Coding change: c.*2303G>C on transcript NM_207352.4 (MANE Select); 2303 bases downstream of the stop codon, G replaced by C.
Molecular consequence: 3 prime UTR variant.
Genome position (GRCh38, 1-based): chr4:186,212,944, G>C. VCF-style: chr4-186212944-G-C. GRCh37 (hg19) VCF-style: chr4-187134098-G-C.
Identifiers: ClinVar variation 348363 (VCV000348363.5), dbSNP rs576134216, ClinGen allele CA10617534.

ClinVar aggregate classification (germline): Benign/Likely benign. Review status: criteria provided, single submitter (1 of 4 stars). 2 submissions from 1 submitter: Benign (1); Likely benign (1). Last evaluated 2018-01-13.

Conditions:
Corneal dystrophy. Identifiers: Orphanet 34533, MedGen C0010036, MONDO:0018102, HP:0001131.
Bietti crystalline corneoretinal dystrophy (BCD). Also called: Bietti Crystalline Dystrophy; BIETTI TAPETORETINAL DEGENERATION WITH MARGINAL CORNEAL DYSTROPHY. Identifiers: Orphanet 41751, MedGen C1859486, MONDO:0008865, OMIM 210370.

Allele frequency attached by ClinVar (database versions not stated): gnomAD 0.00006 and 0.00127; TOPMed 0.00024; 1000 Genomes Project 30x 0.00953; 1000 Genomes Project 0.01058.

Submissions (2):

Illumina Laboratory Services, Illumina
Classification: Benign for Bietti crystalline corneoretinal dystrophy. Last evaluated: 2018-01-13. Review status: criteria provided, single submitter. Criteria: ICSL Variant Classification Criteria 13 December 2019. Collection method: clinical testing. Allele origin: germline.
Comment: This variant was observed in the ICSL laboratory as part of a predisposition screen in an ostensibly healthy population. It had not been previously curated by ICSL or reported in the Human Gene Mutation Database (HGMD: prior to June 1st, 2018), and was therefore a candidate for classification through an automated scoring system. Utilizing variant allele frequency, disease prevalence and penetrance estimates, and inheritance mode, an automated score was calculated to assess if this variant is too frequent to cause the disease. Based on the score and internal cut-off values, a variant classified as benign is not then subjected to further curation. The score for this variant resulted in a classification of benign for this disease.

Illumina Laboratory Services, Illumina
Classification: Likely benign for Corneal dystrophy. Last evaluated: 2018-01-13. Review status: criteria provided, single submitter. Criteria: ICSL Variant Classification Criteria 13 December 2019. Collection method: clinical testing. Allele origin: germline.
Comment: This variant was observed in the ICSL laboratory as part of a predisposition screen in an ostensibly healthy population. It had not been previously curated by ICSL or reported in the Human Gene Mutation Database (HGMD: prior to June 1st, 2018), and was therefore a candidate for classification through an automated scoring system. Utilizing variant allele frequency, disease prevalence and penetrance estimates, and inheritance mode, an automated score was calculated to assess if this variant is too frequent to cause the disease. Based on the score and internal cut-off values, a variant classified as likely benign is not then subjected to further curation. The score for this variant resulted in a classification of likely benign for this disease.